The following is an entry in ClinVar:

NM_001009999.3(KDM1A):c.2165A>G (p.Tyr722Cys)

Gene: KDM1A (lysine demethylase 1A; plus strand). Cytogenetic location: 1p36.12.
Variant type: single nucleotide variant.
Coding change: c.2165A>G on transcript NM_001009999.3 (MANE Select); coding-DNA position 2165, A replaced by G.
Protein change: p.Tyr722Cys; replaces tyrosine 722 with cysteine.
Molecular consequence: missense variant.
Genome position (GRCh38, 1-based): chr1:23,079,662, A>G. VCF-style: chr1-23079662-A-G. GRCh37 (hg19) VCF-style: chr1-23406155-A-G.
Other names: c.2111A>G, p.Tyr704Cys (NM_001363654.2); c.2171A>G, p.Tyr724Cys (NM_001410762.1); c.2093A>G, p.Tyr698Cys (NM_001410763.1, NM_015013.4); short protein forms Y698C, Y704C, Y724C, Y722C.
Identifiers: ClinVar variation 4622737 (VCV004622737.1).

ClinVar aggregate classification (germline): Uncertain significance (1 of 4 stars; one submission).

Conditions:
Inborn genetic diseases. Identifiers: MedGen C0950123, MeSH D030342.

Submission:

Ambry Genetics
Classification: Uncertain significance for Inborn genetic diseases. Last evaluated: 2025-12-02. Review status: criteria provided, single submitter. Criteria: Ambry Variant Classification Scheme 2023. Collection method: clinical testing. Allele origin: germline.
Comment: The p.Y722C variant (also known as c.2165A>G), located in coding exon 18 of the KDM1A gene, results from an A to G substitution at nucleotide position 2165. The tyrosine at codon 722 is replaced by cysteine, an amino acid with highly dissimilar properties. This amino acid position is conserved. In addition, this alteration is predicted to be deleterious by in silico analysis. Based on the available evidence, the clinical significance of this variant remains unclear.